The following is an entry in ClinVar:

ClinVar aggregate classification (germline): Conflicting classifications of pathogenicity. Review status: criteria provided, conflicting classifications (1 of 4 stars). 7 submissions from 7 submitters: Uncertain significance (3); Likely benign (4). Last evaluated 2025-12-14.

Conditions:
Osteogenesis imperfecta type I (OI1). Also called: Lobstein's Disease; OI, TYPE I; OSTEOGENESIS IMPERFECTA TARDA; OSTEOGENESIS IMPERFECTA WITH BLUE SCLERAE; Lobstein disease; Osteogenesis imperfecta type 1. Identifiers: Orphanet 216796, Orphanet 666, MedGen C0023931, MONDO:0008146, OMIM 166200. Disease mechanism: loss of function.
Cardiovascular phenotype. Identifiers: MedGen CN230736.
COL1A1-related disorder. Also called: COL1A1-related condition; COL1A1- related disease.

Allele frequency attached by ClinVar (database versions not stated): TOPMed 0.00002; gnomAD 0.00004; gnomAD exomes 0.00007; ESP Exome Variant Server 0.00008.
gnomAD v4.1: 80 of 1,614,200 alleles (0.005%); highest among the groups gnomAD compares: Middle Eastern, 0.066%; no homozygotes.

Submissions (7):

Women's Health and Genetics/Laboratory Corporation of America, LabCorp
Classification: Likely benign. Last evaluated: 2025-12-14. Review status: criteria provided, single submitter. Criteria: LabCorp Variant Classification Summary - May 2015. Collection method: clinical testing. Allele origin: germline.
Comment: Variant summary: COL1A1 c.3979G>A (p.Gly1327Ser) results in a non-conservative amino acid change in the encoded protein sequence. Algorithms developed to predict the effect of missense changes on protein structure and function are either unavailable or do not agree on the potential impact of this missense change. The variant allele was found at a frequency of 7.2e-05 in 251464 control chromosomes. The observed variant frequency exceeds the estimated maximal expected allele frequency for disease-causing variants in COL1A1. To our knowledge, no occurrence of c.3979G>A in individuals affected with COL1A1-related conditions and no experimental evidence demonstrating its impact on protein function have been reported. ClinVar contains an entry for this variant (Variation ID: 392909). Based on the evidence outlined above, the variant was classified as likely benign.

Labcorp Genetics (formerly Invitae), Labcorp
Classification: Likely benign for Osteogenesis imperfecta type I. Last evaluated: 2025-08-26. Review status: criteria provided, single submitter. Criteria: Invitae Variant Classification Sherloc (09022015). Collection method: clinical testing. Allele origin: germline.

PreventionGenetics, part of Exact Sciences
Classification: Likely benign for COL1A1-related condition. Last evaluated: 2025-05-02. Review status: criteria provided, single submitter. Criteria: ACMG Guidelines, 2015. Collection method: clinical testing. Allele origin: germline.
Comment: This variant is classified as likely benign based on ACMG/AMP sequence variant interpretation guidelines (Richards et al. 2015 PMID: 25741868, with internal and published modifications).

Ambry Genetics
Classification: Uncertain significance for Cardiovascular phenotype. Last evaluated: 2024-10-16. Review status: criteria provided, single submitter. Criteria: Ambry Variant Classification Scheme 2023. Collection method: clinical testing. Allele origin: germline.
Comment: The p.G1327S variant (also known as c.3979G>A), located in coding exon 49 of the COL1A1 gene, results from a G to A substitution at nucleotide position 3979. The glycine at codon 1327 is replaced by serine, an amino acid with similar properties. This amino acid position is well conserved in available vertebrate species. In addition, this alteration is predicted to be tolerated by in silico analysis. Based on the available evidence, the clinical significance of this variant remains unclear.

Blueprint Genetics
Classification: Likely benign. Last evaluated: 2024-09-04. Review status: criteria provided, single submitter. Criteria: ACMG Guidelines, 2015. Collection method: clinical testing. Allele origin: germline.

GeneDx
Classification: Uncertain significance. Last evaluated: 2021-07-19. Review status: criteria provided, single submitter. Criteria: GeneDx Variant Classification Process June 2021. Collection method: clinical testing. Allele origin: germline. Affected: yes.
Comment: Has not been previously published in a peer reviewed journal as pathogenic or benign to our knowledge; In silico analysis supports that this missense variant has a deleterious effect on protein structure/function; Not located in the triple helical region, where the majority of pathogenic missense variants occur (Stenson et al., 2014); Reported in ClinVar as a variant of uncertain significance (ClinVar Variant ID# 392909; Landrum et al., 2016); This variant is associated with the following publications: (PMID: 26582918, 27535533)

CeGaT Center for Human Genetics Tuebingen
Classification: Uncertain significance. Last evaluated: 2016-07-01. Review status: criteria provided, single submitter. Criteria: CeGaT Center For Human Genetics Tuebingen Variant Classification Criteria Version 2. Collection method: clinical testing. Allele origin: germline. Affected: yes. Observed: 1 variant allele.

NM_000088.4(COL1A1):c.3979G>A (p.Gly1327Ser)

Gene: COL1A1 (collagen type I alpha 1 chain; minus strand). Cytogenetic location: 17q21.33.
Variant type: single nucleotide variant.
Coding change: c.3979G>A on transcript NM_000088.4 (MANE Select); coding-DNA position 3979, G replaced by A.
Protein change: p.Gly1327Ser; replaces glycine 1327 with serine.
Molecular consequence: missense variant.
Genome position (GRCh38, 1-based): chr17:50,186,343, C>T on the plus strand (G>A on the coding strand, the complement: COL1A1 is on the minus strand). VCF-style: chr17-50186343-C-T. GRCh37 (hg19) VCF-style: chr17-48263704-C-T.
Other names: short protein forms G1327S.
Identifiers: ClinVar variation 392909 (VCV000392909.56), dbSNP rs147104425, ClinGen allele CA8644306.